The following is an entry in ClinVar:

ClinVar aggregate classification (germline): Uncertain significance (1 of 4 stars; one submission).

Conditions:
Hypertrophic cardiomyopathy 14. Identifiers: MedGen C2750467, MONDO:0013197, OMIM 613251.

Allele frequency attached by ClinVar (database versions not stated): TOPMed below 0.00001.

Submission:

Labcorp Genetics (formerly Invitae), Labcorp
Classification: Uncertain significance for Hypertrophic cardiomyopathy 14. Last evaluated: 2023-02-01. Review status: criteria provided, single submitter. Criteria: Invitae Variant Classification Sherloc (09022015). Collection method: clinical testing. Allele origin: germline.
Comment: This sequence change replaces threonine, which is neutral and polar, with alanine, which is neutral and non-polar, at codon 450 of the MYH6 protein (p.Thr450Ala). This variant is not present in population databases (gnomAD no frequency). This variant has not been reported in the literature in individuals affected with MYH6-related conditions. Advanced modeling of protein sequence and biophysical properties (such as structural, functional, and spatial information, amino acid conservation, physicochemical variation, residue mobility, and thermodynamic stability) performed at Invitae indicates that this missense variant is not expected to disrupt MYH6 protein function. In summary, the available evidence is currently insufficient to determine the role of this variant in disease. Therefore, it has been classified as a Variant of Uncertain Significance.

NM_002471.4(MYH6):c.1348A>G (p.Thr450Ala)

Gene: MYH6 (myosin heavy chain 6; minus strand). Cytogenetic location: 14q11.2.
Variant type: single nucleotide variant.
Coding change: c.1348A>G on transcript NM_002471.4 (MANE Select); coding-DNA position 1348, A replaced by G.
Protein change: p.Thr450Ala; replaces threonine 450 with alanine.
Molecular consequence: missense variant.
Genome position (GRCh38, 1-based): chr14:23,400,771, T>C on the plus strand (A>G on the coding strand, the complement: MYH6 is on the minus strand). VCF-style: chr14-23400771-T-C. GRCh37 (hg19) VCF-style: chr14-23869980-T-C.
Other names: short protein forms T450A.
Identifiers: ClinVar variation 2732648 (VCV002732648.3), dbSNP rs1191380848, ClinGen allele CA389023593.